The following is an entry in ClinVar:

ClinVar aggregate classification (germline): Uncertain significance (1 of 4 stars; one submission).

Conditions:
Charcot-Marie-Tooth disease, type I (CMT1). Also called: Charcot-Marie-Tooth, Type 1; Charcot-Marie-Tooth disease type 1. Identifiers: Orphanet 65753, MedGen C0751036, MONDO:0019011.

Submission:

Labcorp Genetics (formerly Invitae), Labcorp
Classification: Uncertain significance for Charcot-Marie-Tooth disease, type I. Last evaluated: 2022-10-21. Review status: criteria provided, single submitter. Criteria: Invitae Variant Classification Sherloc (09022015). Collection method: clinical testing. Allele origin: germline.
Comment: This sequence change creates a premature translational stop signal (p.Gly53*) in the EGR2 gene. While this is not anticipated to result in nonsense mediated decay, it is expected to disrupt the last 424 amino acid(s) of the EGR2 protein. This variant is not present in population databases (gnomAD no frequency). This variant has not been reported in the literature in individuals affected with EGR2-related conditions. Experimental studies and prediction algorithms are not available or were not evaluated, and the functional significance of this variant is currently unknown. In summary, the available evidence is currently insufficient to determine the role of this variant in disease. Therefore, it has been classified as a Variant of Uncertain Significance.

NM_000399.5(EGR2):c.157G>T (p.Gly53Ter)

Gene: EGR2 (early growth response 2; minus strand). Cytogenetic location: 10q21.3.
Variant type: single nucleotide variant.
Coding change: c.157G>T on transcript NM_000399.5 (MANE Select); coding-DNA position 157, G replaced by T.
Protein change: p.Gly53Ter; replaces glycine 53 with a stop codon.
Molecular consequence: nonsense.
Genome position (GRCh38, 1-based): chr10:62,815,873, C>A on the plus strand (G>T on the coding strand, the complement: EGR2 is on the minus strand). VCF-style: chr10-62815873-C-A. GRCh37 (hg19) VCF-style: chr10-64575633-C-A.
Other names: c.157G>T, p.Gly53Ter (NM_001136177.3, NM_001136178.2); c.7G>T, p.Gly3Ter (NM_001136179.3, NM_001321037.2); c.196G>T, p.Gly66Ter (NM_001410931.1); short protein forms G3*, G53*, G66*.
Identifiers: ClinVar variation 2974195 (VCV002974195.3), dbSNP rs1842254024, ClinGen allele CA377034029.